The following is an entry in ClinVar:

ClinVar aggregate classification (germline): Benign. Review status: criteria provided, multiple submitters, no conflicts (2 of 4 stars). 2 submissions from 2 submitters: Benign (2). Last evaluated 2020-02-18.

Allele frequency attached by ClinVar (database versions not stated): gnomAD exomes 0.08194; ExAC 0.08740; ESP Exome Variant Server 0.11160; gnomAD 0.12432 and 0.12957; TOPMed 0.15118; 1000 Genomes Project 0.16354; 1000 Genomes Project 30x 0.17067.
gnomAD v4.1: 63,701 of 1,612,368 alleles (4%); highest among the groups gnomAD compares: African/African-American, 34%; 7,567 homozygotes.

Submissions (2):

GeneDx
Classification: Benign. Last evaluated: 2020-02-18. Review status: criteria provided, single submitter. Criteria: GeneDx Variant Classification Process June 2021. Collection method: clinical testing. Allele origin: germline. Affected: yes.
Comment: This variant is associated with the following publications: (PMID: 31118516)

Breakthrough Genomics
Classification: Benign. Review status: criteria provided, single submitter. Criteria: ACMG Guidelines, 2015. Collection method: not provided. Allele origin: germline. Inheritance: Unknown mechanism. Affected: yes.

NM_001370549.1(SLC16A11):c.308A>G (p.Asp103Gly)

Gene: SLC16A11 (solute carrier family 16 member 11; minus strand). Cytogenetic location: 17p13.1.
Variant type: single nucleotide variant.
Coding change: c.308A>G on transcript NM_001370549.1 (MANE Select); coding-DNA position 308, A replaced by G.
Protein change: p.Asp103Gly; replaces aspartic acid 103 with glycine.
Molecular consequence: missense variant.
Genome position (GRCh38, 1-based): chr17:7,042,968, T>C on the plus strand (A>G on the coding strand, the complement: SLC16A11 is on the minus strand). VCF-style: chr17-7042968-T-C. GRCh37 (hg19) VCF-style: chr17-6946287-T-C.
Other names: c.308A>G, p.Asp103Gly (NM_001370553.1, NM_153357.3); short protein forms D103G.
Identifiers: ClinVar variation 1182780 (VCV001182780.3), dbSNP rs13342692, ClinGen allele CA8335325.